The following is an entry in ClinVar:

NM_015627.3(LDLRAP1):c.442_443del (p.Cys148fs)

Gene: LDLRAP1 (low density lipoprotein receptor adaptor protein 1; plus strand). Cytogenetic location: 1p36.11.
Variant type: Deletion.
Coding change: c.442_443del on transcript NM_015627.3 (MANE Select); coding-DNA positions 442 to 443, 2 bases deleted (TG; older notation c.442_443delTG).
Protein change: p.Cys148fs; shifts the reading frame from cysteine 148.
Molecular consequence: frameshift variant.
Genome position (GRCh38, 1-based): chr1:25,557,250-25,557,251, TG deleted. VCF-style (leftmost placement, unchanged base first): chr1-25557249-CTG-C. GRCh37 (hg19) VCF-style: chr1-25883740-CTG-C.
Other names: short protein forms C148fs.
Identifiers: ClinVar variation 2831407 (VCV002831407.3), dbSNP rs2524035532, ClinGen allele CA2739272387.
Genomic context (GRCh38, chr1:25,557,249, plus strand): 5'-GGTGTTTGCATACATCGCCCAGAGCCAGCACAACCAGAGCCTCGAGTGCCACGCCTTCCT[CTG>C]CACCAAGCGGAAGATGGTCAGCGGGGAGGGCTGGGGCGGGGACAGGGTCCAGTGGCCTTG-3'

ClinVar aggregate classification (germline): Pathogenic (1 of 4 stars; one submission).

Conditions:
Hypercholesterolemia, familial, 4 (FHCL4). Also called: HYPERCHOLESTEROLEMIA, AUTOSOMAL RECESSIVE, 1; HYPERCHOLESTEROLEMIA, AUTOSOMAL RECESSIVE, 2. Identifiers: Orphanet 391665, MedGen C1863512, MONDO:0011374, OMIM 603813.

Submission:

Labcorp Genetics (formerly Invitae), Labcorp
Classification: Pathogenic for Hypercholesterolemia, familial, 4. Last evaluated: 2023-01-24. Review status: criteria provided, single submitter. Criteria: Invitae Variant Classification Sherloc (09022015). Collection method: clinical testing. Allele origin: germline.
Comment: This sequence change creates a premature translational stop signal (p.Cys148Hisfs*22) in the LDLRAP1 gene. It is expected to result in an absent or disrupted protein product. Loss-of-function variants in LDLRAP1 are known to be pathogenic (PMID: 11326085, 12464675). This variant is not present in population databases (gnomAD no frequency). For these reasons, this variant has been classified as Pathogenic. This variant has not been reported in the literature in individuals affected with LDLRAP1-related conditions.

Literature cited by the submitters: PubMed 11326085; PubMed 12464675.